The following is an entry in ClinVar:

NM_003128.3(SPTBN1):c.6731C>A (p.Ala2244Asp)

Genes: SPTBN1 (spectrin beta, non-erythrocytic 1; plus strand), SPTBN1-AS2 (SPTBN1 antisense RNA 2; minus strand). Cytogenetic location: 2p16.2.
Variant type: single nucleotide variant.
Coding change: c.6731C>A on transcript NM_003128.3 (MANE Select); coding-DNA position 6731, C replaced by A.
Protein change: p.Ala2244Asp; replaces alanine 2244 with aspartic acid.
Molecular consequence: missense variant.
Genome position (GRCh38, 1-based): chr2:54,665,986, C>A. VCF-style: chr2-54665986-C-A. GRCh37 (hg19) VCF-style: chr2-54893123-C-A.
Other names: short protein forms A2244D.
Identifiers: ClinVar variation 1318838 (VCV001318838.3), dbSNP rs956588950, ClinGen allele CA346861905.

ClinVar aggregate classification (germline): Likely pathogenic (1 of 4 stars; one submission).

Submission:

GeneDx
Classification: Likely pathogenic. Last evaluated: 2022-08-13. Review status: criteria provided, single submitter. Criteria: GeneDx Variant Classification Process June 2021. Collection method: clinical testing. Allele origin: germline. Affected: yes.
Comment: Not observed at significant frequency in large population cohorts (gnomAD); In silico analysis supports that this missense variant does not alter protein structure/function; In silico analysis suggests this variant may impact gene splicing. In the absence of RNA/functional studies, the actual effect of this sequence change is unknown.; Has not been previously published as pathogenic or benign to our knowledge